The following is an entry in ClinVar:

NM_001206927.2(DNAH8):c.7984A>G (p.Ile2662Val)

Gene: DNAH8 (dynein axonemal heavy chain 8; plus strand). Cytogenetic location: 6p21.2.
Variant type: single nucleotide variant.
Coding change: c.7984A>G on transcript NM_001206927.2 (MANE Select); coding-DNA position 7984, A replaced by G.
Protein change: p.Ile2662Val; replaces isoleucine 2662 with valine.
Molecular consequence: missense variant.
Genome position (GRCh38, 1-based): chr6:38,883,035, A>G. VCF-style: chr6-38883035-A-G. GRCh37 (hg19) VCF-style: chr6-38850811-A-G.
Other names: c.7333A>G, p.Ile2445Val (NM_001371.4); short protein forms I2662V, I2445V.
Identifiers: ClinVar variation 569783 (VCV000569783.6), dbSNP rs575966640, ClinGen allele CA3790058.

ClinVar aggregate classification (germline): Uncertain significance. Review status: criteria provided, multiple submitters, no conflicts (2 of 4 stars). 2 submissions from 2 submitters: Uncertain significance (2). Last evaluated 2025-11-11.

Conditions:
Primary ciliary dyskinesia. Also called: Ciliary dyskinesia. Identifiers: Orphanet 244, MedGen C0008780, MONDO:0016575, HP:0012265.

Allele frequency attached by ClinVar (database versions not stated): ExAC 0.00001; gnomAD 0.00001; gnomAD exomes 0.00001 and 0.00003; TOPMed 0.00002.
gnomAD v4.1: 21 of 1,595,666 alleles (0.0013%); highest among the groups gnomAD compares: Non-Finnish European, 0.0018%; no homozygotes.

Submissions (2):

Ambry Genetics
Classification: Uncertain significance. Last evaluated: 2025-11-11. Review status: criteria provided, single submitter. Criteria: Ambry Variant Classification Scheme 2023. Collection method: clinical testing. Allele origin: germline.

Labcorp Genetics (formerly Invitae), Labcorp
Classification: Uncertain significance for Primary ciliary dyskinesia. Last evaluated: 2021-09-01. Review status: criteria provided, single submitter. Criteria: Invitae Variant Classification Sherloc (09022015). Collection method: clinical testing. Allele origin: germline.
Comment: This sequence change replaces isoleucine with valine at codon 2662 of the DNAH8 protein (p.Ile2662Val). The isoleucine residue is highly conserved and there is a small physicochemical difference between isoleucine and valine. This variant is present in population databases (rs575966640, ExAC 0.002%). This variant has not been reported in the literature in individuals affected with DNAH8-related conditions. Algorithms developed to predict the effect of missense changes on protein structure and function are either unavailable or do not agree on the potential impact of this missense change (SIFT: "Deleterious"; PolyPhen-2: "Not Available"; Align-GVGD: "Class C0"). In summary, the available evidence is currently insufficient to determine the role of this variant in disease. Therefore, it has been classified as a Variant of Uncertain Significance.